The following is an entry in ClinVar:

NM_001127222.2(CACNA1A):c.5957T>C (p.Met1986Thr)

Gene: CACNA1A (calcium voltage-gated channel subunit alpha1 A; minus strand). Cytogenetic location: 19p13.13.
Variant type: single nucleotide variant.
Coding change: c.5957T>C on transcript NM_001127222.2 (MANE Select); coding-DNA position 5957, T replaced by C.
Protein change: p.Met1986Thr; replaces methionine 1986 with threonine.
Molecular consequence: missense variant.
Genome position (GRCh38, 1-based): chr19:13,212,724, A>G on the plus strand (T>C on the coding strand, the complement: CACNA1A is on the minus strand). VCF-style: chr19-13212724-A-G. GRCh37 (hg19) VCF-style: chr19-13323538-A-G.
Other names: c.5975T>C, p.Met1992Thr (NM_000068.4, NM_023035.3); c.5960T>C, p.Met1987Thr (NM_001127221.2); c.5966T>C, p.Met1989Thr (NM_001174080.2); short protein forms M1986T, M1987T, M1989T, M1992T.
Identifiers: ClinVar variation 1516518 (VCV001516518.6), dbSNP rs2144526659, ClinGen allele CA404333644.

ClinVar aggregate classification (germline): Uncertain significance (1 of 4 stars; one submission).

Conditions:
Episodic ataxia type 2 (EA2). Also called: ATAXIA, EPISODIC, WITH NYSTAGMUS; ATAXIA, FAMILIAL PAROXYSMAL; CEREBELLAR ATAXIA, PAROXYSMAL, ACETAZOLAMIDE-RESPONSIVE; CEREBELLOPATHY, HEREDITARY PAROXYSMAL; ACETAZOLAMIDE-RESPONSIVE HEREDITARY PAROXYSMAL CEREBELLAR ATAXIA; EPISODIC ATAXIA, NYSTAGMUS-ASSOCIATED. Identifiers: Orphanet 97, MedGen C1720416, MONDO:0007163, OMIM 108500.
Developmental and epileptic encephalopathy, 42 (DEE42A). Also called: DEVELOPMENTAL AND EPILEPTIC ENCEPHALOPATHY 42A; EPILEPTIC ENCEPHALOPATHY, EARLY INFANTILE, 42A; Epileptic encephalopathy, early infantile, 42. Identifiers: MedGen C4310716, MONDO:0014917, OMIM 617106.

Submission:

Labcorp Genetics (formerly Invitae), Labcorp
Classification: Uncertain significance for Developmental and epileptic encephalopathy, 42; Episodic ataxia type 2. Last evaluated: 2025-04-28. Review status: criteria provided, single submitter. Criteria: Invitae Variant Classification Sherloc (09022015). Collection method: clinical testing. Allele origin: germline.
Comment: This sequence change replaces methionine, which is neutral and non-polar, with threonine, which is neutral and polar, at codon 1987 of the CACNA1A protein (p.Met1987Thr). This variant is not present in population databases (gnomAD no frequency). This variant has not been reported in the literature in individuals affected with CACNA1A-related conditions. ClinVar contains an entry for this variant (Variation ID: 1516518). Invitae Evidence Modeling of protein sequence and biophysical properties (such as structural, functional, and spatial information, amino acid conservation, physicochemical variation, residue mobility, and thermodynamic stability) has been performed for this missense variant. However, the output from this modeling did not meet the statistical confidence thresholds required to predict the impact of this variant on CACNA1A protein function. In summary, the available evidence is currently insufficient to determine the role of this variant in disease. Therefore, it has been classified as a Variant of Uncertain Significance.